The following is an entry in ClinVar:

NM_015541.3(LRIG1):c.2346C>T (p.Pro782=)

Gene: LRIG1 (leucine rich repeats and immunoglobulin like domains 1; minus strand). Cytogenetic location: 3p14.1.
Variant type: single nucleotide variant.
Coding change: c.2346C>T on transcript NM_015541.3 (MANE Select); coding-DNA position 2346, C replaced by T.
Protein change: p.Pro782=; no amino-acid change (proline 782 retained).
Molecular consequence: synonymous variant.
Genome position (GRCh38, 1-based): chr3:66,383,127, G>A on the plus strand (C>T on the coding strand, the complement: LRIG1 is on the minus strand). VCF-style: chr3-66383127-G-A. GRCh37 (hg19) VCF-style: chr3-66433551-G-A.
Other names: c.2271C>T, p.Pro757= (NM_001377344.1); c.1566C>T, p.Pro522= (NM_001377345.1, NM_001377346.1); c.1344C>T, p.Pro448= (NM_001377347.1); c.1317C>T, p.Pro439= (NM_001377348.1); c.1062C>T, p.Pro354= (NM_001377349.1).
Identifiers: ClinVar variation 3038495 (VCV003038495.2), dbSNP rs112700187, ClinGen allele CA2484406.

ClinVar aggregate classification (germline): Likely benign (0 of 4 stars; one submission).

Conditions:
LRIG1-related disorder. Also called: LRIG1-related condition.

Allele frequency attached by ClinVar (database versions not stated): ESP Exome Variant Server 0.00077; TOPMed 0.00088; gnomAD 0.00094; 1000 Genomes Project 30x 0.00250; 1000 Genomes Project 0.00260.
gnomAD v4.1: 1,045 of 1,614,232 alleles (0.065%); highest among the groups gnomAD compares: South Asian, 0.58%; 9 homozygotes.

Submission:

PreventionGenetics, part of Exact Sciences
Classification: Likely benign for LRIG1-related condition. Last evaluated: 2019-03-04. Review status: no assertion criteria provided. Collection method: clinical testing. Allele origin: germline.
Comment: This variant is classified as likely benign based on ACMG/AMP sequence variant interpretation guidelines (Richards et al. 2015 PMID: 25741868, with internal and published modifications).